The following is an entry in ClinVar:

ClinVar aggregate classification (germline): Uncertain significance (1 of 4 stars; one submission).

Allele frequency attached by ClinVar (database versions not stated): TOPMed below 0.00001; gnomAD 0.00001; gnomAD exomes 0.00001.
gnomAD v4.1: 17 of 1,613,670 alleles (0.0011%); highest among the groups gnomAD compares: Non-Finnish European, 0.0014%; no homozygotes.

Submission:

Ambry Genetics
Classification: Uncertain significance. Last evaluated: 2022-10-12. Review status: criteria provided, single submitter. Criteria: Ambry Variant Classification Scheme 2023. Collection method: clinical testing. Allele origin: germline.
Comment: The p.M725I variant (also known as c.2175G>T), located in coding exon 18 of the BUB1 gene, results from a G to T substitution at nucleotide position 2175. The methionine at codon 725 is replaced by isoleucine, an amino acid with highly similar properties. This amino acid position is conserved. In addition, this alteration is predicted to be tolerated by in silico analysis. Since supporting evidence is limited at this time, the clinical significance of this alteration remains unclear.

NM_004336.5(BUB1):c.2175G>T (p.Met725Ile)

Gene: BUB1 (BUB1 mitotic checkpoint serine/threonine kinase; minus strand). Cytogenetic location: 2q13.
Variant type: single nucleotide variant.
Coding change: c.2175G>T on transcript NM_004336.5 (MANE Select); coding-DNA position 2175, G replaced by T.
Protein change: p.Met725Ile; replaces methionine 725 with isoleucine.
Molecular consequence: missense variant.
Genome position (GRCh38, 1-based): chr2:110,650,574, C>A on the plus strand (G>T on the coding strand, the complement: BUB1 is on the minus strand). VCF-style: chr2-110650574-C-A. GRCh37 (hg19) VCF-style: chr2-111408151-C-A.
Other names: c.2115G>T, p.Met705Ile (NM_001278616.2); c.2175G>T, p.Met725Ile (NM_001278617.2); short protein forms M705I, M725I.
Identifiers: ClinVar variation 1787178 (VCV001787178.2), dbSNP rs1227778830, ClinGen allele CA348209733.
Genomic context (GRCh38, chr2:110,650,574, plus strand): 5'-TCAAGGGCATAACAAAGAGTGAGTGTTCGTACTTGGAGCATCAACAGTCCCAAGTGAACT[C>A]ATCTGCATCCATTCTGCTTGGAGCCCAGCAATAGCATCTGGTGGATCTTCTGCAATGGCA-3'
Protein context (NP_004327.1, residues 715-735): IAGLQAEWMQ[Met725Ile]SSLGTVDAPN